The following is an entry in ClinVar:

ClinVar aggregate classification (germline): Pathogenic (1 of 4 stars; one submission).

Conditions:
Duchenne muscular dystrophy (DMD). Also called: MUSCULAR DYSTROPHY, PSEUDOHYPERTROPHIC PROGRESSIVE, DUCHENNE TYPE; Duchenne Muscular Dystrophy (DMD). Identifiers: Orphanet 98896, MedGen C0013264, MONDO:0010679, OMIM 310200.

Submission:

Victorian Clinical Genetics Services, Murdoch Childrens Research Institute
Classification: Pathogenic for Duchenne muscular dystrophy. Last evaluated: 2025-02-20. Review status: criteria provided, single submitter. Criteria: ACMG Guidelines, 2015. Collection method: clinical testing. Allele origin: germline.
Comment: This variant is classified as Pathogenic. Evidence in support of pathogenic classification: Variant is predicted to cause nonsense-mediated decay (NMD) and loss of protein (premature termination codon is located at least 54 nucleotides upstream of the final exon-exon junction); Variant is absent from gnomAD (v2, v3 and v4); Other NMD-predicted variants comparable to the one identified in this case have very strong previous evidence for pathogenicity (DECIPHER). Additional information: This variant is heterozygous; This gene is associated with X-linked recessive disease. This gene is primarily associated with X-linked recessive disease relating to the muscular dystrophy phenotypes; however, it is also associated with X-linked DCM in heterozygous females (OMIM, PMID: 26066469, 20301298); This variant has no previous evidence of pathogenicity in an unrelated individual; Loss of function is a known mechanism of disease in this gene and is associated with Becker muscular dystrophy (MIM#300376), Duchenne muscular dystrophy (MIM#310200) and dilated cardiomyopathy 3B (MIM#302045).

Literature cited by the submitters: PubMed 20301298; PubMed 26066469.

NM_004006.3(DMD):c.7689del (p.Val2564fs)

Gene: DMD (dystrophin; minus strand). Cytogenetic location: Xp21.1.
Variant type: Deletion.
Coding change: c.7689del on transcript NM_004006.3 (MANE Select); coding-DNA position 7689, one base deleted (A; older notation c.7689delA).
Protein change: p.Val2564fs; shifts the reading frame from valine 2564.
Molecular consequence: frameshift variant.
Genome position (GRCh38, 1-based): chrX:31,679,558, T deleted on the plus strand (A on the coding strand, the reverse complement: DMD is on the minus strand); the first of 2 consecutive T bases (chrX:31,679,558-31,679,559); deleting either gives the same sequence. VCF-style (leftmost placement, unchanged base first): chrX-31679557-CT-C. GRCh37 (hg19) VCF-style: chrX-31697674-CT-C.
Other names: c.7665del, p.Val2556fs (NM_000109.4); c.7677del, p.Val2560fs (NM_004009.3); c.7320del, p.Val2441fs (NM_004010.3); c.3666del, p.Val1223fs (NM_004011.4); c.3657del, p.Val1220fs (NM_004012.4); c.309del, p.Val104fs (NM_004013.3, NM_004020.4, NM_004021.3 and 2 more transcripts); short protein forms V104fs, V1220fs, V1223fs, V2441fs, V2556fs, V2560fs, V2564fs.
Identifiers: ClinVar variation 4532189 (VCV004532189.1).